The following is an entry in ClinVar:

NM_005918.4(MDH2):c.480G>A (p.Val160=)

Gene: MDH2 (malate dehydrogenase 2; plus strand). Cytogenetic location: 7q11.23.
Variant type: single nucleotide variant.
Coding change: c.480G>A on transcript NM_005918.4 (MANE Select); coding-DNA position 480, G replaced by A.
Protein change: p.Val160=; no amino-acid change (valine 160 retained).
Molecular consequence: synonymous variant. On other transcripts: intron variant (1).
Genome position (GRCh38, 1-based): chr7:76,060,423, G>A. VCF-style: chr7-76060423-G-A. GRCh37 (hg19) VCF-style: chr7-75689741-G-A.
Other names: c.159G>A, p.Val53= (NM_001282404.2); c.429+2345G>A (NM_001282403.2).
Identifiers: ClinVar variation 730404 (VCV000730404.19), dbSNP rs139959689, ClinGen allele CA4305554.

ClinVar aggregate classification (germline): Benign/Likely benign. Review status: criteria provided, multiple submitters, no conflicts (2 of 4 stars). 8 submissions from 8 submitters: Benign (3); Likely benign (3). 2 of the submissions do not count toward it. Last evaluated 2026-04-01.

Conditions:
Developmental and epileptic encephalopathy, 51 (DEE51). Also called: Epileptic encephalopathy, early infantile, 51. Identifiers: MedGen C4479208, MONDO:0015025, OMIM 617339.
Inborn genetic diseases. Identifiers: MedGen C0950123, MeSH D030342.

Allele frequency attached by ClinVar (database versions not stated): gnomAD exomes 0.00014 and 0.00047; ExAC 0.00049; gnomAD 0.00172 and 0.00183; TOPMed 0.00186; 1000 Genomes Project 30x 0.00203; 1000 Genomes Project 0.00220; ESP Exome Variant Server 0.00238.
gnomAD v4.1: 484 of 1,614,154 alleles (0.03%); highest among the groups gnomAD compares: African/African-American, 0.55%; 3 homozygotes.

Submissions (8):

CeGaT Center for Human Genetics Tuebingen
Classification: Likely benign. Last evaluated: 2026-04-01. Review status: criteria provided, single submitter. Criteria: CeGaT Center For Human Genetics Tuebingen Variant Classification Criteria Version 2. Collection method: clinical testing. Allele origin: germline. Affected: yes. Observed: 1 variant allele.
Comment: MDH2: BP4, BP7

Labcorp Genetics (formerly Invitae), Labcorp
Classification: Benign. Last evaluated: 2026-01-12. Review status: criteria provided, single submitter. Criteria: Invitae Variant Classification Sherloc (09022015). Collection method: clinical testing. Allele origin: germline.

Blueprint Genetics
Classification: Likely benign. Last evaluated: 2024-11-13. Review status: criteria provided, single submitter. Criteria: ACMG Guidelines, 2015. Collection method: clinical testing. Allele origin: germline.

ARUP Laboratories, Molecular Genetics and Genomics, ARUP Laboratories
Classification: Benign for Developmental and epileptic encephalopathy, 51. Last evaluated: 2023-12-22. Review status: criteria provided, single submitter. Criteria: ARUP Molecular Germline Variant Investigation Process 2024. Collection method: clinical testing. Allele origin: germline.

Ambry Genetics
Classification: Likely benign for Inborn genetic diseases. Last evaluated: 2022-02-12. Review status: criteria provided, single submitter. Criteria: Ambry Variant Classification Scheme 2023. Collection method: clinical testing. Allele origin: germline.

Breakthrough Genomics
Classification: Benign. Review status: criteria provided, single submitter. Criteria: ACMG Guidelines, 2015. Collection method: not provided. Allele origin: germline. Inheritance: Autosomal recessive inheritance. Affected: yes.

Genome Diagnostics Laboratory, University Medical Center Utrecht
Classification: Likely benign. Review status: no assertion criteria provided. Collection method: clinical testing. Allele origin: germline. Affected: yes. Study: VKGL Data-share Consensus. Not counted in ClinVar's aggregate classification.

Joint Genome Diagnostic Labs from Nijmegen and Maastricht, Radboudumc and MUMC+
Classification: Likely benign. Review status: no assertion criteria provided. Collection method: clinical testing. Allele origin: germline. Affected: yes. Study: VKGL Data-share Consensus. Not counted in ClinVar's aggregate classification.